The following is an entry in ClinVar:

NM_001447.3(FAT2):c.677G>A (p.Arg226His)

Gene: FAT2 (FAT atypical cadherin 2; minus strand). Cytogenetic location: 5q33.1.
Variant type: single nucleotide variant.
Coding change: c.677G>A on transcript NM_001447.3 (MANE Select); coding-DNA position 677, G replaced by A.
Protein change: p.Arg226His; replaces arginine 226 with histidine.
Molecular consequence: missense variant.
Genome position (GRCh38, 1-based): chr5:151,568,255, C>T on the plus strand (G>A on the coding strand, the complement: FAT2 is on the minus strand). VCF-style: chr5-151568255-C-T. GRCh37 (hg19) VCF-style: chr5-150947816-C-T.
Other names: short protein forms R226H.
Identifiers: ClinVar variation 2965390 (VCV002965390.3), dbSNP rs777551798, ClinGen allele CA3522393.

ClinVar aggregate classification (germline): Uncertain significance (1 of 4 stars; one submission).

Allele frequency attached by ClinVar (database versions not stated): gnomAD exomes 0.00001; ExAC 0.00002; gnomAD 0.00003.
gnomAD v4.1: 17 of 1,613,976 alleles (0.0011%); highest among the groups gnomAD compares: East Asian, 0.013%; no homozygotes.

Submission:

Labcorp Genetics (formerly Invitae), Labcorp
Classification: Uncertain significance. Last evaluated: 2024-01-22. Review status: criteria provided, single submitter. Criteria: Invitae Variant Classification Sherloc (09022015). Collection method: clinical testing. Allele origin: germline.
Comment: This sequence change replaces arginine, which is basic and polar, with histidine, which is basic and polar, at codon 226 of the FAT2 protein (p.Arg226His). This variant is present in population databases (rs777551798, gnomAD 0.02%). This variant has not been reported in the literature in individuals affected with FAT2-related conditions. An algorithm developed to predict the effect of missense changes on protein structure and function (PolyPhen-2) suggests that this variant is likely to be disruptive. In summary, the available evidence is currently insufficient to determine the role of this variant in disease. Therefore, it has been classified as a Variant of Uncertain Significance.